The following is an entry in ClinVar:

NM_004360.5(CDH1):c.572G>T (p.Ser191Ile)

Gene: CDH1 (cadherin 1; plus strand). Cytogenetic location: 16q22.1.
Variant type: single nucleotide variant.
Coding change: c.572G>T on transcript NM_004360.5 (MANE Select); coding-DNA position 572, G replaced by T.
Protein change: p.Ser191Ile; replaces serine 191 with isoleucine.
Molecular consequence: missense variant. On other transcripts: 5 prime UTR variant (2).
Genome position (GRCh38, 1-based): chr16:68,808,733, G>T. VCF-style: chr16-68808733-G-T. GRCh37 (hg19) VCF-style: chr16-68842636-G-T.
Other names: c.572G>T, p.Ser191Ile (NM_001317184.2); c.-1044G>T (NM_001317185.2); c.-1248G>T (NM_001317186.2); short protein forms S191I.
Identifiers: ClinVar variation 1749323 (VCV001749323.2), dbSNP rs2152130119, ClinGen allele CA396457931.

ClinVar aggregate classification (germline): Uncertain significance (1 of 4 stars; one submission).

Conditions:
Hereditary cancer-predisposing syndrome. Also called: Hereditary Cancer Syndrome; Hereditary neoplastic syndrome; Neoplastic Syndromes, Hereditary; Tumor predisposition. Identifiers: Orphanet 140162, MedGen C0027672, MeSH D009386, MONDO:0015356.

Submission:

Ambry Genetics
Classification: Uncertain significance for Hereditary cancer-predisposing syndrome. Last evaluated: 2021-01-19. Review status: criteria provided, single submitter. Criteria: Ambry Variant Classification Scheme 2023. Collection method: clinical testing. Allele origin: germline.
Comment: The p.S191I variant (also known as c.572G>T), located in coding exon 5 of the CDH1 gene, results from a G to T substitution at nucleotide position 572. The serine at codon 191 is replaced by isoleucine, an amino acid with dissimilar properties. This amino acid position is well conserved in available vertebrate species. In addition, this alteration is predicted to be deleterious by in silico analysis. Since supporting evidence is limited at this time, the clinical significance of this alteration remains unclear.